The following is an entry in ClinVar:

ClinVar aggregate classification (germline): Likely benign (1 of 4 stars; one submission).

Conditions:
Sifrim-Hitz-Weiss syndrome (SIHIWES). Also called: SIFRIM-HITZ-WEISS MULTIPLE CONGENITAL ANOMALIES-MENTAL RETARDATION SYNDROME; CHD4 Neurodevelopmental Disorder. Identifiers: Orphanet 653712, MedGen C4310688, MONDO:0014946, OMIM 617159.

gnomAD v4.1: 16 of 1,611,494 alleles (0.00099%); highest among the groups gnomAD compares: African/African-American, 0.011%; no homozygotes.

Submission:

Centre for Medical Genetics,  Mumbai
Classification: Likely benign for Sifrim-Hitz-Weiss syndrome. Last evaluated: 2026-02-02. Review status: criteria provided, single submitter. Criteria: ACMG Guidelines, 2015. Collection method: provider interpretation. Allele origin: germline. Inheritance: Autosomal dominant inheritance. Affected: no. Observed: 1 heterozygote.
Comment: The variant satisfies PVS1 criteria; Null variant in a gene where loss of function is a known mechanism of disease. The variant satisfies PM2 criteria; Extremely low frequency in gnomAD population databases. However, the variant satisfies BS2 criteria.

Literature cited by the submitters: PubMed 27479907.

NM_001273.5(CHD4):c.4780-1G>A

Genes: CHD4 (chromodomain helicase DNA binding protein 4; minus strand), CHD4-AS1 (CHD4 antisense RNA 1; plus strand). Cytogenetic location: 12p13.31.
Variant type: single nucleotide variant.
Coding change: c.4780-1G>A on transcript NM_001273.5 (MANE Select); the canonical splice acceptor site of the intron before coding-DNA position 4780, G replaced by A.
Molecular consequence: splice acceptor variant.
Genome position (GRCh38, 1-based): chr12:6,581,174, C>T on the plus strand (G>A on the coding strand, the complement: CHD4 is on the minus strand). VCF-style: chr12-6581174-C-T. GRCh37 (hg19) VCF-style: chr12-6690340-C-T.
Other names: c.4741-1G>A (NM_001363606.2); c.4759-1G>A (NM_001297553.2).
Identifiers: ClinVar variation 4759214 (VCV004759214.1).